The following is an entry in ClinVar:

NM_001848.3(COL6A1):c.152G>A (p.Arg51Lys)

Gene: COL6A1 (collagen type VI alpha 1 chain; plus strand). Cytogenetic location: 21q22.3.
Variant type: single nucleotide variant.
Coding change: c.152G>A on transcript NM_001848.3 (MANE Select); coding-DNA position 152, G replaced by A.
Protein change: p.Arg51Lys; replaces arginine 51 with lysine.
Molecular consequence: missense variant.
Genome position (GRCh38, 1-based): chr21:45,982,688, G>A. VCF-style: chr21-45982688-G-A. GRCh37 (hg19) VCF-style: chr21-47402602-G-A.
Other names: p.Arg51Lys; short protein forms R51K.
Identifiers: ClinVar variation 2683558 (VCV002683558.1), dbSNP rs2526307426, ClinGen allele CA410514647.
Genomic context (GRCh38, chr21:45,982,688, plus strand): 5'-GGCCAGACTGCCCCGTGGACCTGTTCTTTGTGCTGGACACCTCTGAGAGCGTGGCCCTGA[G>A]GCTGAAGCCCTACGGGGCCCTCGTGGACAAAGTCAAGTCCTTCACCAAGCGCTTCATCGA-3'
Protein context (NP_001839.2, residues 41-61): VLDTSESVAL[Arg51Lys]LKPYGALVDK

ClinVar aggregate classification (germline): Uncertain significance (1 of 4 stars; one submission).

Submission:

Mayo Clinic Laboratories, Mayo Clinic
Classification: Uncertain significance. Last evaluated: 2022-11-30. Review status: criteria provided, single submitter. Criteria: ACMG Guidelines, 2015. Collection method: clinical testing. Allele origin: germline. Observed: 1 variant allele.
Comment: PP3, PM2